The following is an entry in ClinVar:

ClinVar aggregate classification (germline): Likely benign (1 of 4 stars; one submission).

gnomAD v4.1: 12 of 1,614,058 alleles (0.00074%); highest among the groups gnomAD compares: Non-Finnish European, 0.001%; no homozygotes.

Submission:

CeGaT Center for Human Genetics Tuebingen
Classification: Likely benign. Last evaluated: 2025-07-01. Review status: criteria provided, single submitter. Criteria: CeGaT Center For Human Genetics Tuebingen Variant Classification Criteria Version 2. Collection method: clinical testing. Allele origin: germline. Affected: yes. Observed: 1 variant allele.
Comment: PRSS12: BP4, BP7

NM_003619.4(PRSS12):c.2055T>G (p.Thr685=)

Gene: PRSS12 (serine protease 12; minus strand). Cytogenetic location: 4q26.
Variant type: single nucleotide variant.
Coding change: c.2055T>G on transcript NM_003619.4 (MANE Select); coding-DNA position 2055, T replaced by G.
Protein change: p.Thr685=; no amino-acid change (threonine 685 retained).
Molecular consequence: synonymous variant.
Genome position (GRCh38, 1-based): chr4:118,283,096, A>C on the plus strand (T>G on the coding strand, the complement: PRSS12 is on the minus strand). VCF-style: chr4-118283096-A-C. GRCh37 (hg19) VCF-style: chr4-119204251-A-C.
Other names: c.2055T>G, p.Thr685= (NM_001440549.1).
Identifiers: ClinVar variation 4084550 (VCV004084550.8).